The following is an entry in ClinVar:

ClinVar aggregate classification (germline): Uncertain significance (1 of 4 stars; one submission).

Submission:

Labcorp Genetics (formerly Invitae), Labcorp
Classification: Uncertain significance. Last evaluated: 2022-09-14. Review status: criteria provided, single submitter. Criteria: Invitae Variant Classification Sherloc (09022015). Collection method: clinical testing. Allele origin: germline.
Comment: In summary, the available evidence is currently insufficient to determine the role of this variant in disease. Therefore, it has been classified as a Variant of Uncertain Significance. Algorithms developed to predict the effect of sequence changes on RNA splicing suggest that this variant may disrupt the consensus splice site. This variant has not been reported in the literature in individuals affected with ATAD1-related conditions. This variant is not present in population databases (gnomAD no frequency). This sequence change falls in intron 4 of the ATAD1 gene. It does not directly change the encoded amino acid sequence of the ATAD1 protein.

NM_001321967.2(ATAD1):c.382+9A>G

Gene: ATAD1 (ATPase family AAA domain containing 1; minus strand). Cytogenetic location: 10q23.31.
Variant type: single nucleotide variant.
Coding change: c.382+9A>G on transcript NM_001321967.2 (MANE Select); 9 bases into the intron after coding-DNA position 382, A replaced by G.
Molecular consequence: intron variant.
Genome position (GRCh38, 1-based): chr10:87,790,301, T>C on the plus strand (A>G on the coding strand, the complement: ATAD1 is on the minus strand). VCF-style: chr10-87790301-T-C. GRCh37 (hg19) VCF-style: chr10-89550058-T-C.
Other names: c.382+9A>G (NM_001321968.2, NM_032810.4); c.-66+9A>G (NM_001321969.2).
Identifiers: ClinVar variation 2027623 (VCV002027623.4), dbSNP rs2493231099, ClinGen allele CA2580082134.
Genomic context (GRCh38, chr10:87,790,301, plus strand): 5'-ACAATGGCAGAAAGTTTCAATGTTTTCTAGGATTTTAATGCTTTAGGCGAATATATACCT[T>C]TACCATACCTTTTGGAGGCTGCAGAAGCCTGGAATTCTCAAACAAATGTTTCTTTTTGAT-3'